The following is an entry in ClinVar:

NM_001358530.2(MOCS1):c.291del (p.Ala99fs)

Gene: MOCS1 (molybdenum cofactor synthesis 1; minus strand). Cytogenetic location: 6p21.2.
Variant type: Deletion.
Coding change: c.291del on transcript NM_001358530.2 (MANE Select); coding-DNA position 291, one base deleted (C; older notation c.291delC).
Protein change: p.Ala99fs; shifts the reading frame from alanine 99.
Molecular consequence: frameshift variant. On other transcripts: non-coding transcript variant (1).
Genome position (GRCh38, 1-based): chr6:39,925,805, G deleted on the plus strand (C on the coding strand, the reverse complement: MOCS1 is on the minus strand); the first of 5 consecutive G bases (chr6:39,925,805-39,925,809); deleting any one gives the same sequence. VCF-style (leftmost placement, unchanged base first): chr6-39925804-TG-T. GRCh37 (hg19) VCF-style: chr6-39893548-TG-T.
Other names: c.291del, p.Ala99fs (NM_001075098.4, NM_001358529.2, NM_005943.6); c.30del, p.Ala12fs (NM_001358531.2, NM_001358533.2, NM_001358534.2); c.291del (NM_005943.5); short protein forms A12fs, A99fs.
Identifiers: ClinVar variation 1071304 (VCV001071304.13), dbSNP rs755808099, ClinGen allele CA3796353.

ClinVar aggregate classification (germline): Pathogenic. Review status: criteria provided, multiple submitters, no conflicts (2 of 4 stars). 2 submissions from 2 submitters: Pathogenic (2). Last evaluated 2025-10-26.

Conditions:
Sulfite oxidase deficiency due to molybdenum cofactor deficiency type A. Also called: Molybdenum cofactor deficiency, complementation group A; Molybdenum Cofactor Deficiency A. Identifiers: Orphanet 308386, Orphanet 833, MedGen C1854988, MONDO:0009643, OMIM 252150.

Submissions (2):

Labcorp Genetics (formerly Invitae), Labcorp
Classification: Pathogenic for Sulfite oxidase deficiency due to molybdenum cofactor deficiency type A. Last evaluated: 2025-10-26. Review status: criteria provided, single submitter. Criteria: Invitae Variant Classification Sherloc (09022015). Collection method: clinical testing. Allele origin: germline.
Comment: This sequence change creates a premature translational stop signal (p.Ala99Profs*4) in the MOCS1 gene. It is expected to result in an absent or disrupted protein product. Loss-of-function variants in MOCS1 are known to be pathogenic (PMID: 12754701, 16021469). This variant is present in population databases (rs755808099, gnomAD 0.05%). This premature translational stop signal has been observed in individual(s) with molybdenum cofactor deficiency (PMID: 12754701). This variant is also known as c.287delC. ClinVar contains an entry for this variant (Variation ID: 1071304). For these reasons, this variant has been classified as Pathogenic.

Fulgent Genetics
Classification: Pathogenic for Sulfite oxidase deficiency due to molybdenum cofactor deficiency type A. Last evaluated: 2024-04-10. Review status: criteria provided, single submitter. Criteria: ACMG Guidelines, 2015. Collection method: clinical testing. Allele origin: germline.

Literature cited by the submitters: PubMed 12754701 (cited by Labcorp Genetics (formerly Invitae), Labcorp); PubMed 16021469 (cited by Labcorp Genetics (formerly Invitae), Labcorp).